The following is an entry in ClinVar:

ClinVar aggregate classification (germline): Uncertain significance (1 of 4 stars; one submission).

Conditions:
Combined immunodeficiency due to LRBA deficiency. Also called: Common variable immunodeficiency 8, with autoimmunity. Identifiers: Orphanet 445018, MedGen C3553512, MONDO:0013863, OMIM 614700.

Submission:

Labcorp Genetics (formerly Invitae), Labcorp
Classification: Uncertain significance for Combined immunodeficiency due to LRBA deficiency. Last evaluated: 2019-09-10. Review status: criteria provided, single submitter. Criteria: Invitae Variant Classification Sherloc (09022015). Collection method: clinical testing. Allele origin: germline.
Comment: This variant is not present in population databases (ExAC no frequency). In summary, the available evidence is currently insufficient to determine the role of this variant in disease. Therefore, it has been classified as a Variant of Uncertain Significance. Algorithms developed to predict the effect of missense changes on protein structure and function output the following: SIFT: "Tolerated"; PolyPhen-2: "Benign"; Align-GVGD: "Class C0". The lysine amino acid residue is found in multiple mammalian species, suggesting that this missense change does not adversely affect protein function. These predictions have not been confirmed by published functional studies and their clinical significance is uncertain. This variant has not been reported in the literature in individuals with LRBA-related conditions. This sequence change replaces asparagine with lysine at codon 2024 of the LRBA protein (p.Asn2024Lys). The asparagine residue is weakly conserved and there is a moderate physicochemical difference between asparagine and lysine.

NM_001364905.1(LRBA):c.6046+1917C>A

Gene: LRBA (LPS responsive beige-like anchor protein; minus strand). Cytogenetic location: 4q31.3.
Variant type: single nucleotide variant.
Coding change: c.6046+1917C>A on transcript NM_001364905.1 (MANE Select); 1917 bases into the intron after coding-DNA position 6046, C replaced by A.
Molecular consequence: intron variant. On other transcripts: missense variant (2).
Genome position (GRCh38, 1-based): chr4:150,597,090, G>T on the plus strand (C>A on the coding strand, the complement: LRBA is on the minus strand). VCF-style: chr4-150597090-G-T. GRCh37 (hg19) VCF-style: chr4-151518242-G-T.
Other names: c.6072C>A, p.Asn2024Lys (NM_001440430.1, NM_006726.5); c.6046+1917C>A (NM_001367550.1, NM_001199282.3, NM_001440431.1); short protein forms N2024K.
Identifiers: ClinVar variation 958605 (VCV000958605.9), dbSNP rs1561404167, ClinGen allele CA358606501.